The following is an entry in ClinVar:

NM_000038.6(APC):c.1409-422A>T

Gene: APC (APC regulator of WNT signaling pathway; plus strand). Cytogenetic location: 5q22.2.
Variant type: single nucleotide variant.
Coding change: c.1409-422A>T on transcript NM_000038.6 (MANE Select); 422 bases into the intron before coding-DNA position 1409, A replaced by T.
Molecular consequence: intron variant.
Genome position (GRCh38, 1-based): chr5:112,826,686, A>T. VCF-style: chr5-112826686-A-T. GRCh37 (hg19) VCF-style: chr5-112162383-A-T.
Other names: c.1409-422A>T (NM_001354895.2, NM_001127510.3); c.1439-422A>T (NM_001354897.2); c.1136-422A>T (NM_001354902.2); c.1355-422A>T (NM_001127511.3); c.1334-422A>T (NM_001354898.2); c.1031-422A>T (NM_001354904.2); c.560-422A>T (NM_001354906.2); c.1463-422A>T (NM_001354896.2); and 5 more.
Identifiers: ClinVar variation 83156 (VCV000083156.2), dbSNP rs77627307, ClinGen allele CA005083.

ClinVar aggregate classification (germline): other (0 of 4 stars; one submission).

Conditions:
Familial colorectal cancer. Identifiers: MedGen CN280943, MONDO:0023113. Disease mechanism: loss of function.

Submission:

Systems Biology Platform Zhejiang California International NanoSystems Institute
Classification: other for Familial colorectal cancer. Review status: no assertion criteria provided. Collection method: not provided. Allele origin: unknown.
ClinVar note: Converted during submission from cancer to other.